The following is an entry in ClinVar:

NM_145243.5(OMA1):c.1093G>T (p.Asp365Tyr)

Genes: OMA1 (OMA1 zinc metallopeptidase; minus strand), DAB1 (DAB adaptor protein 1; minus strand). Cytogenetic location: 1p32.1.
Variant type: single nucleotide variant.
Coding change: c.1093G>T on transcript NM_145243.5 (MANE Select); coding-DNA position 1093, G replaced by T.
Protein change: p.Asp365Tyr; replaces aspartic acid 365 with tyrosine.
Molecular consequence: missense variant.
Genome position (GRCh38, 1-based): chr1:58,530,648, C>A on the plus strand (G>T on the coding strand, the complement: OMA1 is on the minus strand). VCF-style: chr1-58530648-C-A. GRCh37 (hg19) VCF-style: chr1-58996320-C-A.
Other names: NC_000001.10:g.58996320C>A; short protein forms D365Y.
Identifiers: ClinVar variation 713749 (VCV000713749.11), dbSNP rs77980955, ClinGen allele CA877016.

ClinVar aggregate classification (germline): Likely benign. Review status: criteria provided, multiple submitters, no conflicts (2 of 4 stars). 2 submissions from 2 submitters: Likely benign (2). Last evaluated 2025-04-01.

Allele frequency attached by ClinVar (database versions not stated): 1000 Genomes Project 30x 0.00156; 1000 Genomes Project 0.00180; TOPMed 0.00326; ExAC 0.00328; gnomAD exomes 0.00333 and 0.00366; gnomAD 0.00342 and 0.00350; ESP Exome Variant Server 0.00354.
gnomAD v4.1: 3,155 of 872,802 alleles (0.36%); highest among the groups gnomAD compares: Non-Finnish European, 0.48%; 11 homozygotes.

Submissions (23):

CeGaT Center for Human Genetics Tuebingen
Classification: Likely benign. Last evaluated: 2025-04-01. Review status: criteria provided, single submitter. Criteria: CeGaT Center For Human Genetics Tuebingen Variant Classification Criteria Version 2. Collection method: clinical testing. Allele origin: germline. Affected: yes. Observed: 1 variant allele.
Comment: OMA1: BS2

Labcorp Genetics (formerly Invitae), Labcorp
Classification: Likely benign. Last evaluated: 2018-07-19. Review status: criteria provided, single submitter. Criteria: Invitae Variant Classification Sherloc (09022015). Collection method: clinical testing. Allele origin: germline.

Dr. Peter K. Rogan Lab, Western University
No classification provided (evidence only). Condition: Malignant tumor of esophagus. Review status: no classification provided. Collection method: in vitro. Allele origin: not applicable. Functional consequence: retained intron. Not counted in ClinVar's aggregate classification.

Dr. Peter K. Rogan Lab, Western University
No classification provided (evidence only). Condition: Malignant tumor of urinary bladder. Review status: no classification provided. Collection method: in vitro. Allele origin: not applicable. Functional consequence: skipped exon. Not counted in ClinVar's aggregate classification.

Dr. Peter K. Rogan Lab, Western University
No classification provided (evidence only). Condition: Malignant tumor of urinary bladder. Review status: no classification provided. Collection method: in vitro. Allele origin: not applicable. Functional consequence: skipped exon. Not counted in ClinVar's aggregate classification.

Dr. Peter K. Rogan Lab, Western University
No classification provided (evidence only). Condition: Malignant tumor of urinary bladder. Review status: no classification provided. Collection method: in vitro. Allele origin: not applicable. Functional consequence: skipped exon. Not counted in ClinVar's aggregate classification.

Dr. Peter K. Rogan Lab, Western University
No classification provided (evidence only). Condition: Clear cell carcinoma of kidney. Review status: no classification provided. Collection method: in vitro. Allele origin: not applicable. Functional consequence: skipped exon. Not counted in ClinVar's aggregate classification.

Dr. Peter K. Rogan Lab, Western University
No classification provided (evidence only). Condition: Clear cell carcinoma of kidney. Review status: no classification provided. Collection method: in vitro. Allele origin: not applicable. Functional consequence: skipped exon. Not counted in ClinVar's aggregate classification.

Dr. Peter K. Rogan Lab, Western University
No classification provided (evidence only). Condition: Clear cell carcinoma of kidney. Review status: no classification provided. Collection method: in vitro. Allele origin: not applicable. Functional consequence: skipped exon. Not counted in ClinVar's aggregate classification.

Dr. Peter K. Rogan Lab, Western University
No classification provided (evidence only). Condition: Clear cell carcinoma of kidney. Review status: no classification provided. Collection method: in vitro. Allele origin: not applicable. Functional consequence: skipped exon. Not counted in ClinVar's aggregate classification.

Dr. Peter K. Rogan Lab, Western University
No classification provided (evidence only). Condition: Clear cell carcinoma of kidney. Review status: no classification provided. Collection method: in vitro. Allele origin: not applicable. Functional consequence: skipped exon. Not counted in ClinVar's aggregate classification.

Dr. Peter K. Rogan Lab, Western University
No classification provided (evidence only). Condition: Lung cancer. Review status: no classification provided. Collection method: in vitro. Allele origin: not applicable. Functional consequence: skipped exon. Not counted in ClinVar's aggregate classification.

Dr. Peter K. Rogan Lab, Western University
No classification provided (evidence only). Condition: Melanoma. Review status: no classification provided. Collection method: in vitro. Allele origin: not applicable. Functional consequence: skipped exon. Not counted in ClinVar's aggregate classification.

Dr. Peter K. Rogan Lab, Western University
No classification provided (evidence only). Condition: Familial cancer of breast. Review status: no classification provided. Collection method: in vitro. Allele origin: not applicable. Functional consequence: skipped exon. Not counted in ClinVar's aggregate classification.

Dr. Peter K. Rogan Lab, Western University
No classification provided (evidence only). Condition: Familial cancer of breast. Review status: no classification provided. Collection method: in vitro. Allele origin: not applicable. Functional consequence: skipped exon. Not counted in ClinVar's aggregate classification.

Dr. Peter K. Rogan Lab, Western University
No classification provided (evidence only). Condition: Familial cancer of breast. Review status: no classification provided. Collection method: in vitro. Allele origin: not applicable. Functional consequence: skipped exon, retained intron. Not counted in ClinVar's aggregate classification.

Dr. Peter K. Rogan Lab, Western University
No classification provided (evidence only). Condition: Acute myeloid leukemia. Review status: no classification provided. Collection method: in vitro. Allele origin: not applicable. Functional consequence: skipped exon, retained intron. Not counted in ClinVar's aggregate classification.

Dr. Peter K. Rogan Lab, Western University
No classification provided (evidence only). Condition: Acute myeloid leukemia. Review status: no classification provided. Collection method: in vitro. Allele origin: not applicable. Functional consequence: retained intron. Not counted in ClinVar's aggregate classification.

Dr. Peter K. Rogan Lab, Western University
No classification provided (evidence only). Condition: Colon adenocarcinoma. Review status: no classification provided. Collection method: in vitro. Allele origin: not applicable. Functional consequence: skipped exon. Not counted in ClinVar's aggregate classification.

Dr. Peter K. Rogan Lab, Western University
No classification provided (evidence only). Condition: Thyroid cancer, nonmedullary, 1. Review status: no classification provided. Collection method: in vitro. Allele origin: not applicable. Functional consequence: skipped exon, retained intron. Not counted in ClinVar's aggregate classification.

Dr. Peter K. Rogan Lab, Western University
No classification provided (evidence only). Condition: Thyroid cancer, nonmedullary, 1. Review status: no classification provided. Collection method: in vitro. Allele origin: not applicable. Functional consequence: retained intron. Not counted in ClinVar's aggregate classification.

Dr. Peter K. Rogan Lab, Western University
No classification provided (evidence only). Condition: Cervical cancer. Review status: no classification provided. Collection method: in vitro. Allele origin: not applicable. Functional consequence: skipped exon. Not counted in ClinVar's aggregate classification.

Dr. Peter K. Rogan Lab, Western University
No classification provided (evidence only). Condition: Gastric cancer. Review status: no classification provided. Collection method: in vitro. Allele origin: not applicable. Functional consequence: skipped exon. Not counted in ClinVar's aggregate classification.